The following is an entry in ClinVar:

ClinVar aggregate classification (germline): Uncertain significance (1 of 4 stars; one submission).

Conditions:
Congenital myasthenic syndrome 8. Also called: MYASTHENIC SYNDROME, CONGENITAL, DUE TO AGRIN DEFICIENCY; Myasthenic syndrome, congenital, 8, with pre- and postsynaptic defects. Identifiers: Orphanet 590, MedGen C3808739, MONDO:0014052, OMIM 615120.

Submission:

Labcorp Genetics (formerly Invitae), Labcorp
Classification: Uncertain significance for Congenital myasthenic syndrome 8. Last evaluated: 2017-10-11. Review status: criteria provided, single submitter. Criteria: Invitae Variant Classification Sherloc (09022015). Collection method: clinical testing. Allele origin: germline.
Comment: This sequence change falls in intron 28 of the AGRN gene. It does not directly change the encoded amino acid sequence of the AGRN protein, but it affects a nucleotide within the consensus splice site of the intron. This variant is not present in population databases (ExAC no frequency). This variant has not been reported in the literature in individuals with AGRN-related disease. Nucleotide substitutions within the consensus splice site are a relatively common cause of aberrant splicing (PMID: 17576681, 9536098). Algorithms developed to predict the effect of sequence changes on RNA splicing suggest that this variant may disrupt the consensus splice site, but this prediction has not been confirmed by published transcriptional studies. In summary, the available evidence is currently insufficient to determine the role of this variant in disease. Therefore, it has been classified as a Variant of Uncertain Significance.

Literature cited by the submitters: PubMed 17576681; PubMed 9536098.

NM_198576.4(AGRN):c.4976+5G>C

Gene: AGRN (agrin; plus strand). Cytogenetic location: 1p36.33.
Variant type: single nucleotide variant.
Coding change: c.4976+5G>C on transcript NM_198576.4 (MANE Select); 5 bases into the intron after coding-DNA position 4976, G replaced by C.
Molecular consequence: intron variant.
Genome position (GRCh38, 1-based): chr1:1,050,334, G>C. VCF-style: chr1-1050334-G-C. GRCh37 (hg19) VCF-style: chr1-985714-G-C.
Other names: c.4976+5G>C (NM_001305275.2); c.4661+5G>C (NM_001364727.2).
Identifiers: ClinVar variation 541173 (VCV000541173.2), dbSNP rs1553177963, ClinGen allele CA658795340.